The following is an entry in ClinVar:

ClinVar aggregate classification (germline): Benign (1 of 4 stars; one submission).

Allele frequency attached by ClinVar (database versions not stated): TOPMed 0.24529; gnomAD exomes 0.24760; gnomAD 0.24883; 1000 Genomes Project 30x 0.27498; 1000 Genomes Project 0.27596.
gnomAD v4.1: 281,693 of 1,136,812 alleles (25%); highest among the groups gnomAD compares: East Asian, 39%; 36,355 homozygotes.

Submission:

Unidad de Genómica Garrahan, Hospital de Pediatría Garrahan
Classification: Benign. Last evaluated: 2024-01-24. Review status: criteria provided, single submitter. Criteria: ACMG Guidelines, 2015. Collection method: clinical testing. Allele origin: germline. Affected: no. Observed: 31 variant alleles.
Comment: This variant is classified as Benign based on local population frequency. This variant was detected in 35% of patients studied by a panel of primary immunodeficiencies. Number of patients: 31. Only high quality variants are reported.

NM_016292.3(TRAP1):c.330+95A>C

Gene: TRAP1 (TNF receptor associated protein 1; minus strand). Cytogenetic location: 16p13.3.
Variant type: single nucleotide variant.
Coding change: c.330+95A>C on transcript NM_016292.3 (MANE Select); 95 bases into the intron after coding-DNA position 330, A replaced by C.
Molecular consequence: intron variant.
Genome position (GRCh38, 1-based): chr16:3,688,960, T>G on the plus strand (A>C on the coding strand, the complement: TRAP1 is on the minus strand). VCF-style: chr16-3688960-T-G. GRCh37 (hg19) VCF-style: chr16-3738961-T-G.
Other names: c.171+95A>C (NM_001272049.2).
Identifiers: ClinVar variation 2688449 (VCV002688449.2), dbSNP rs2072380, ClinGen allele CA14259126.